The following is an entry in ClinVar:

ClinVar aggregate classification (germline): Uncertain significance (1 of 4 stars; one submission).

Allele frequency attached by ClinVar (database versions not stated): gnomAD exomes 0.00001.
gnomAD v4.1: 9 of 1,614,160 alleles (0.00056%); highest among the groups gnomAD compares: South Asian, 0.0044%; no homozygotes.

Submission:

Labcorp Genetics (formerly Invitae), Labcorp
Classification: Uncertain significance. Last evaluated: 2022-11-08. Review status: criteria provided, single submitter. Criteria: Invitae Variant Classification Sherloc (09022015). Collection method: clinical testing. Allele origin: germline.
Comment: This sequence change replaces leucine, which is neutral and non-polar, with glutamine, which is neutral and polar, at codon 39 of the PSMG2 protein (p.Leu39Gln). This variant is present in population databases (no rsID available, gnomAD 0.003%). This variant has not been reported in the literature in individuals affected with PSMG2-related conditions. Algorithms developed to predict the effect of missense changes on protein structure and function are either unavailable or do not agree on the potential impact of this missense change (SIFT: "Tolerated"; PolyPhen-2: "Probably Damaging"; Align-GVGD: "Class C0"). In summary, the available evidence is currently insufficient to determine the role of this variant in disease. Therefore, it has been classified as a Variant of Uncertain Significance.

NM_020232.5(PSMG2):c.116T>A (p.Leu39Gln)

Gene: PSMG2 (proteasome assembly chaperone 2; plus strand). Cytogenetic location: 18p11.21.
Variant type: single nucleotide variant.
Coding change: c.116T>A on transcript NM_020232.5 (MANE Select); coding-DNA position 116, T replaced by A.
Protein change: p.Leu39Gln; replaces leucine 39 with glutamine.
Molecular consequence: missense variant.
Genome position (GRCh38, 1-based): chr18:12,706,608, T>A. VCF-style: chr18-12706608-T-A. GRCh37 (hg19) VCF-style: chr18-12706607-T-A.
Other names: c.23T>A, p.Leu8Gln (NM_147163.2); short protein forms L39Q, L8Q.
Identifiers: ClinVar variation 2812928 (VCV002812928.3), dbSNP rs1401715699, ClinGen allele CA401964842.
Genomic context (GRCh38, chr18:12,706,608, plus strand): 5'-AGCCAGCAGTATCTGTTGGAAATGTTGGCCAGCTTGCAATGGATCTGATTATTTCTACAC[T>A]GAATATGTCTAAGATTGGTTACTTCTATACCGATTGTCTTGTGCCAATGGTTGGAAACAA-3'
Protein context (NP_064617.2, residues 29-49): QLAMDLIIST[Leu39Gln]NMSKIGYFYT